The following is an entry in ClinVar:

NM_001277115.2(DNAH11):c.6935C>A (p.Ser2312Tyr)

Gene: DNAH11 (dynein axonemal heavy chain 11; plus strand). Cytogenetic location: 7p15.3.
Variant type: single nucleotide variant.
Coding change: c.6935C>A on transcript NM_001277115.2 (MANE Select); coding-DNA position 6935, C replaced by A.
Protein change: p.Ser2312Tyr; replaces serine 2312 with tyrosine.
Molecular consequence: missense variant.
Genome position (GRCh38, 1-based): chr7:21,711,812, C>A. VCF-style: chr7-21711812-C-A. GRCh37 (hg19) VCF-style: chr7-21751430-C-A.
Other names: short protein forms S2312Y.
Identifiers: ClinVar variation 839953 (VCV000839953.10), dbSNP rs1784474955, ClinGen allele CA366941608.
Genomic context (GRCh38, chr7:21,711,812, plus strand): 5'-CCTTCATGAGGCTTCTGTTTGAGATACATCACTTAAGGAGCGCAACCCCGGCCACTGTTT[C>A]CAGAGCTGGTATTCTGTATGTGAACCCACAAGATCTGGGCTGGAATCCGTGAGTATTTCT-3'
Protein context (NP_001264044.1, residues 2302-2322): HLRSATPATV[Ser2312Tyr]RAGILYVNPQ

ClinVar aggregate classification (germline): Uncertain significance (1 of 4 stars; one submission).

Conditions:
Primary ciliary dyskinesia. Also called: Ciliary dyskinesia. Identifiers: Orphanet 244, MedGen C0008780, MONDO:0016575, HP:0012265.

gnomAD v4.1: 1 of 1,613,802 alleles (0.000062%); highest among the groups gnomAD compares: Non-Finnish European, 0.000085%; no homozygotes.

Submission:

Labcorp Genetics (formerly Invitae), Labcorp
Classification: Uncertain significance for Primary ciliary dyskinesia. Last evaluated: 2019-11-22. Review status: criteria provided, single submitter. Criteria: Invitae Variant Classification Sherloc (09022015). Collection method: clinical testing. Allele origin: germline.
Comment: This variant has not been reported in the literature in individuals with DNAH11-related conditions. This variant is not present in population databases (ExAC no frequency). This sequence change replaces serine with tyrosine at codon 2312 of the DNAH11 protein (p.Ser2312Tyr). The serine residue is highly conserved and there is a large physicochemical difference between serine and tyrosine. Algorithms developed to predict the effect of missense changes on protein structure and function are either unavailable or do not agree on the potential impact of this missense change (SIFT: "Deleterious"; PolyPhen-2: "Probably Damaging"; Align-GVGD: "Class C15"). In summary, the available evidence is currently insufficient to determine the role of this variant in disease. Therefore, it has been classified as a Variant of Uncertain Significance.